The following is an entry in ClinVar:

ClinVar aggregate classification (germline): Uncertain significance (1 of 4 stars; one submission).

Conditions:
Glanzmann thrombasthenia. Also called: BLEEDING DISORDER, PLATELET-TYPE, 2; THROMBASTHENIA OF GLANZMANN AND NAEGELI; PLATELET GLYCOPROTEIN IIb-IIIa DEFICIENCY; Glanzmann's thrombasthenia; Thrombasthenia. Identifiers: Orphanet 849, MedGen C0040015, MONDO:0100326.

gnomAD v4.1: 3 of 1,613,038 alleles (0.00019%); highest among the groups gnomAD compares: Admixed American, 0.0017%; no homozygotes.

Submission:

Labcorp Genetics (formerly Invitae), Labcorp
Classification: Uncertain significance for Glanzmann thrombasthenia. Last evaluated: 2025-08-09. Review status: criteria provided, single submitter. Criteria: Invitae Variant Classification Sherloc (09022015). Collection method: clinical testing. Allele origin: germline.
Comment: This sequence change replaces glutamic acid, which is acidic and polar, with lysine, which is basic and polar, at codon 92 of the ITGA2B protein (p.Glu92Lys). This variant is not present in population databases (gnomAD no frequency). This variant has not been reported in the literature in individuals affected with ITGA2B-related conditions. An algorithm developed to predict the effect of missense changes on protein structure and function outputs the following: PolyPhen-2: "Benign". The lysine amino acid residue is found in multiple mammalian species, which suggests that this missense change does not adversely affect protein function. In summary, the available evidence is currently insufficient to determine the role of this variant in disease. Therefore, it has been classified as a Variant of Uncertain Significance.

NM_000419.5(ITGA2B):c.274G>A (p.Glu92Lys)

Gene: ITGA2B (integrin subunit alpha 2b; minus strand). Cytogenetic location: 17q21.31.
Variant type: single nucleotide variant.
Coding change: c.274G>A on transcript NM_000419.5 (MANE Select); coding-DNA position 274, G replaced by A.
Protein change: p.Glu92Lys; replaces glutamic acid 92 with lysine.
Molecular consequence: missense variant.
Genome position (GRCh38, 1-based): chr17:44,386,046, C>T on the plus strand (G>A on the coding strand, the complement: ITGA2B is on the minus strand). VCF-style: chr17-44386046-C-T. GRCh37 (hg19) VCF-style: chr17-42463414-C-T.
Other names: short protein forms E92K.
Identifiers: ClinVar variation 4748022 (VCV004748022.1).